The following is an entry in ClinVar:

ClinVar aggregate classification (germline): Uncertain significance. Review status: criteria provided, multiple submitters, no conflicts (2 of 4 stars). 3 submissions from 3 submitters: Uncertain significance (3). Last evaluated 2026-07-08.

Conditions:
Cardiovascular phenotype. Identifiers: MedGen CN230736.
Cardiomyopathy (CMYO). Also called: Cardiomyopathies. Identifiers: Orphanet 167848, MedGen C0878544, MONDO:0004994, HP:0001638. Inheritance: Various modes of inheritance.
Hypertrophic cardiomyopathy. Also called: HYPERTROPHIC MYOCARDIOPATHY. Identifiers: Orphanet 217569, MedGen C0007194, MeSH D002312, MONDO:0005045, HP:0001639.

Allele frequency attached by ClinVar (database versions not stated): gnomAD exomes below 0.00001; TOPMed below 0.00001.
gnomAD v4.1: 2 of 1,613,376 alleles (0.00012%); highest among the groups gnomAD compares: Admixed American, 0.0033%; no homozygotes.

Submissions (3):

Ambry Genetics
Classification: Uncertain significance for Cardiovascular phenotype. Last evaluated: 2026-07-08. Review status: criteria provided, single submitter. Criteria: Ambry Variant Classification Scheme 2023. Collection method: clinical testing. Allele origin: germline.

Color Diagnostics, LLC DBA Color Health
Classification: Uncertain significance for Cardiomyopathy. Last evaluated: 2025-06-29. Review status: criteria provided, single submitter. Criteria: ACMG Guidelines, 2015. Collection method: clinical testing. Allele origin: germline.
Comment: This missense variant replaces glutamic acid with alanine at codon 240 of the MYBPC3 protein. Computational prediction suggests that this variant may have deleterious impact on protein structure and function. To our knowledge, functional studies have not been reported for this variant. This variant has not been reported in individuals affected with MYBPC3-related disorders in the literature. This variant has been identified in 1/247604 chromosomes in the general population by the Genome Aggregation Database (gnomAD). The available evidence is insufficient to determine the role of this variant in disease conclusively. Therefore, this variant is classified as a Variant of Uncertain Significance.

Labcorp Genetics (formerly Invitae), Labcorp
Classification: Uncertain significance for Hypertrophic cardiomyopathy. Last evaluated: 2025-06-16. Review status: criteria provided, single submitter. Criteria: Invitae Variant Classification Sherloc (09022015). Collection method: clinical testing. Allele origin: germline.
Comment: This sequence change replaces glutamic acid, which is acidic and polar, with alanine, which is neutral and non-polar, at codon 240 of the MYBPC3 protein (p.Glu240Ala). This variant is present in population databases (no rsID available, gnomAD 0.003%). This variant has not been reported in the literature in individuals affected with MYBPC3-related conditions. ClinVar contains an entry for this variant (Variation ID: 1348961). An algorithm developed to predict the effect of missense changes on protein structure and function (PolyPhen-2) suggests that this variant is likely to be disruptive. In summary, the available evidence is currently insufficient to determine the role of this variant in disease. Therefore, it has been classified as a Variant of Uncertain Significance.

NM_000256.3(MYBPC3):c.719A>C (p.Glu240Ala)

Gene: MYBPC3 (myosin binding protein C3; minus strand). Cytogenetic location: 11p11.2.
Variant type: single nucleotide variant.
Coding change: c.719A>C on transcript NM_000256.3 (MANE Select); coding-DNA position 719, A replaced by C.
Protein change: p.Glu240Ala; replaces glutamic acid 240 with alanine.
Molecular consequence: missense variant.
Genome position (GRCh38, 1-based): chr11:47,348,477, T>G on the plus strand (A>C on the coding strand, the complement: MYBPC3 is on the minus strand). VCF-style: chr11-47348477-T-G. GRCh37 (hg19) VCF-style: chr11-47370028-T-G.
Other names: short protein forms E240A.
Identifiers: ClinVar variation 1348961 (VCV001348961.7), dbSNP rs1258661494, ClinGen allele CA380335832.
Genomic context (GRCh38, chr11:47,348,477, plus strand): 5'-CCCTCACCGTGGACAGTGAGATTGAAGTTGGAGCAGTCAAATTTGTCCTTGGTGGACACC[T>G]CACAGCGGTAGCTGCCAGTGAAGGCAGGCTGGGCATCGGTGATGTGCAGCTCGAACAGAT-3'
Protein context (NP_000247.2, residues 230-250): QPAFTGSYRC[Glu240Ala]VSTKDKFDCS